The following is an entry in ClinVar:

NM_015041.3(CLUAP1):c.869C>G (p.Thr290Ser)

Gene: CLUAP1 (clusterin associated protein 1; plus strand). Cytogenetic location: 16p13.3.
Variant type: single nucleotide variant.
Coding change: c.869C>G on transcript NM_015041.3 (MANE Select); coding-DNA position 869, C replaced by G.
Protein change: p.Thr290Ser; replaces threonine 290 with serine.
Molecular consequence: missense variant.
Genome position (GRCh38, 1-based): chr16:3,526,425, C>G. VCF-style: chr16-3526425-C-G. GRCh37 (hg19) VCF-style: chr16-3576425-C-G.
Other names: c.869C>G, p.Thr290Ser (NM_001330454.2); c.371C>G, p.Thr124Ser (NM_024793.3); short protein forms T124S, T290S.
Identifiers: ClinVar variation 2088225 (VCV002088225.4), dbSNP rs2037944018, ClinGen allele CA394514758.

ClinVar aggregate classification (germline): Uncertain significance (1 of 4 stars; one submission).

Allele frequency attached by ClinVar (database versions not stated): gnomAD exomes below 0.00001; TOPMed below 0.00001; gnomAD 0.00001.
gnomAD v4.1: 3 of 1,606,466 alleles (0.00019%); highest among the groups gnomAD compares: Admixed American, 0.0017%; no homozygotes.

Submission:

Labcorp Genetics (formerly Invitae), Labcorp
Classification: Uncertain significance. Last evaluated: 2022-04-08. Review status: criteria provided, single submitter. Criteria: Invitae Variant Classification Sherloc (09022015). Collection method: clinical testing. Allele origin: germline.
Comment: Algorithms developed to predict the effect of missense changes on protein structure and function (SIFT, PolyPhen-2, Align-GVGD) all suggest that this variant is likely to be tolerated. This sequence change replaces threonine, which is neutral and polar, with serine, which is neutral and polar, at codon 290 of the CLUAP1 protein (p.Thr290Ser). This variant is not present in population databases (gnomAD no frequency). This variant has not been reported in the literature in individuals affected with CLUAP1-related conditions. In summary, the available evidence is currently insufficient to determine the role of this variant in disease. Therefore, it has been classified as a Variant of Uncertain Significance.